The following is an entry in ClinVar:

ClinVar aggregate classification (germline): Likely benign. Review status: criteria provided, multiple submitters, no conflicts (2 of 4 stars). 2 submissions from 2 submitters: Likely benign (2). Last evaluated 2024-10-14.

Conditions:
Ehlers-Danlos syndrome, classic type, 1 (EDSCL1). Also called: Ehlers-Danlos Syndrome, Classic Type, COL5A1-Related; EHLERS-DANLOS SYNDROME, GRAVIS TYPE; EHLERS-DANLOS SYNDROME, SEVERE CLASSIC TYPE; Ehlers-Danlos syndrome, type 1; EDS I. Identifiers: MedGen C0268335, MONDO:0019567, OMIM 130000.
Osteogenesis imperfecta type I (OI1). Also called: OI, TYPE I; OSTEOGENESIS IMPERFECTA TARDA; OSTEOGENESIS IMPERFECTA WITH BLUE SCLERAE; Osteogenesis imperfecta type 1; Classic Non-deforming Osteogenesis Imperfecta with Blue Sclerae; Lobstein's Disease. Identifiers: Orphanet 216796, Orphanet 666, MedGen C0023931, MONDO:0008146, OMIM 166200. Disease mechanism: loss of function.

Allele frequency attached by ClinVar (database versions not stated): gnomAD exomes 0.00001.
gnomAD v4.1: 20 of 1,614,180 alleles (0.0012%); highest among the groups gnomAD compares: Middle Eastern, 0.016%; no homozygotes.

Submissions (2):

Labcorp Genetics (formerly Invitae), Labcorp
Classification: Likely benign for Osteogenesis imperfecta type I; Ehlers-Danlos syndrome, classic type, 1. Last evaluated: 2024-10-14. Review status: criteria provided, single submitter. Criteria: Invitae Variant Classification Sherloc (09022015). Collection method: clinical testing. Allele origin: germline.

GeneDx
Classification: Likely benign. Last evaluated: 2018-11-26. Review status: criteria provided, single submitter. Criteria: GeneDx Variant Classification Process June 2021. Collection method: clinical testing. Allele origin: germline. Affected: yes.
Comment: See Variant Classification Assertion Criteria.

NM_000089.4(COL1A2):c.325-9T>C

Gene: COL1A2 (collagen type I alpha 2 chain; plus strand). Cytogenetic location: 7q21.3.
Variant type: single nucleotide variant.
Coding change: c.325-9T>C on transcript NM_000089.4 (MANE Select); 9 bases into the intron before coding-DNA position 325, T replaced by C.
Molecular consequence: intron variant.
Genome position (GRCh38, 1-based): chr7:94,404,684, T>C. VCF-style: chr7-94404684-T-C. GRCh37 (hg19) VCF-style: chr7-94033996-T-C.
Identifiers: ClinVar variation 2140015 (VCV002140015.5), dbSNP rs769542796, ClinGen allele CA162914169.